The following is an entry in ClinVar:

ClinVar aggregate classification (germline): Uncertain significance. Review status: criteria provided, multiple submitters, no conflicts (2 of 4 stars). 3 submissions from 3 submitters: Uncertain significance (3). Last evaluated 2022-12-19.

Conditions:
Inborn genetic diseases. Identifiers: MedGen C0950123, MeSH D030342.
Hereditary spastic paraplegia 28. Also called: Spastic paraplegia 28, autosomal recessive. Identifiers: Orphanet 101008, MedGen C1836295, MONDO:0012256, OMIM 609340.

gnomAD v4.1: 7 of 1,613,904 alleles (0.00043%); highest among the groups gnomAD compares: Non-Finnish European, 0.00051%; no homozygotes.

Submissions (3):

Ambry Genetics
Classification: Uncertain significance for Inborn genetic diseases. Last evaluated: 2022-12-19. Review status: criteria provided, single submitter. Criteria: Ambry Variant Classification Scheme 2023. Collection method: clinical testing. Allele origin: germline.

Labcorp Genetics (formerly Invitae), Labcorp
Classification: Uncertain significance for Hereditary spastic paraplegia 28. Last evaluated: 2022-04-09. Review status: criteria provided, single submitter. Criteria: Invitae Variant Classification Sherloc (09022015). Collection method: clinical testing. Allele origin: germline.
Comment: This sequence change replaces histidine, which is basic and polar, with leucine, which is neutral and non-polar, at codon 810 of the DDHD1 protein (p.His810Leu). This variant is present in population databases (no rsID available, gnomAD 0.0009%). This variant has not been reported in the literature in individuals affected with DDHD1-related conditions. ClinVar contains an entry for this variant (Variation ID: 1307281). Algorithms developed to predict the effect of missense changes on protein structure and function (SIFT, PolyPhen-2, Align-GVGD) all suggest that this variant is likely to be tolerated. In summary, the available evidence is currently insufficient to determine the role of this variant in disease. Therefore, it has been classified as a Variant of Uncertain Significance.

GeneDx
Classification: Uncertain significance. Last evaluated: 2019-07-25. Review status: criteria provided, single submitter. Criteria: GeneDx Variant Classification Process June 2021. Collection method: clinical testing. Allele origin: germline. Affected: yes.
Comment: Not observed at a significant frequency in large population cohorts (Lek et al., 2016); In silico analysis, which includes protein predictors and evolutionary conservation, supports that this variant does not alter protein structure/function; In addition, in-silico analysis, which includes splice predictors and evolutionary conservation, is inconclusive as to whether the variant alters gene splicing. In the absence of RNA/functional studies, the actual effect of this sequence change is unknown.; Has not been previously published as pathogenic or benign to our knowledge

NM_001160148.2(DDHD1):c.2408A>T (p.His803Leu)

Gene: DDHD1 (DDHD domain containing 1; minus strand). Cytogenetic location: 14q22.1.
Variant type: single nucleotide variant.
Coding change: c.2408A>T on transcript NM_001160148.2 (MANE Select); coding-DNA position 2408, A replaced by T.
Protein change: p.His803Leu; replaces histidine 803 with leucine.
Molecular consequence: missense variant.
Genome position (GRCh38, 1-based): chr14:53,054,467, T>A on the plus strand (A>T on the coding strand, the complement: DDHD1 is on the minus strand). VCF-style: chr14-53054467-T-A. GRCh37 (hg19) VCF-style: chr14-53521185-T-A.
Other names: c.2429A>T, p.His810Leu (NM_001160147.2); c.2408A>T, p.His803Leu (NM_030637.3); c.2408A>T (NM_001160148.1); short protein forms H803L, H810L.
Identifiers: ClinVar variation 1307281 (VCV001307281.4), dbSNP rs144016130, ClinGen allele CA261016579.